The following is an entry in ClinVar:

ClinVar aggregate classification (germline): Uncertain significance. Review status: criteria provided, multiple submitters, no conflicts (2 of 4 stars). 2 submissions from 2 submitters: Uncertain significance (2). Last evaluated 2025-08-06.

Conditions:
Cardiovascular phenotype. Identifiers: MedGen CN230736.

Allele frequency attached by ClinVar (database versions not stated): gnomAD exomes 0.00001; gnomAD 0.00002; TOPMed 0.00002; ESP Exome Variant Server 0.00013.
gnomAD v4.1: 32 of 1,609,078 alleles (0.002%); highest among the groups gnomAD compares: East Asian, 0.0067%; no homozygotes.

Submissions (2):

Ambry Genetics
Classification: Uncertain significance for Cardiovascular phenotype. Last evaluated: 2025-08-06. Review status: criteria provided, single submitter. Criteria: Ambry Variant Classification Scheme 2023. Collection method: clinical testing. Allele origin: germline.

GeneDx
Classification: Uncertain significance. Last evaluated: 2023-03-02. Review status: criteria provided, single submitter. Criteria: GeneDx Variant Classification Process June 2021. Collection method: clinical testing. Allele origin: germline. Affected: yes.
Comment: Has not been previously published as pathogenic or benign to our knowledge; Not observed at significant frequency in large population cohorts (gnomAD); In silico analysis supports that this missense variant has a deleterious effect on protein structure/function

NM_001365276.2(TNXB):c.3337C>T (p.Arg1113Cys)

Gene: TNXB (tenascin XB; minus strand). Cytogenetic location: 6p21.33.
Variant type: single nucleotide variant.
Coding change: c.3337C>T on transcript NM_001365276.2 (MANE Select); coding-DNA position 3337, C replaced by T.
Protein change: p.Arg1113Cys; replaces arginine 1113 with cysteine.
Molecular consequence: missense variant.
Genome position (GRCh38, 1-based): chr6:32,084,521, G>A on the plus strand (C>T on the coding strand, the complement: TNXB is on the minus strand). VCF-style: chr6-32084521-G-A. GRCh37 (hg19) VCF-style: chr6-32052298-G-A.
Other names: c.3337C>T, p.Arg1113Cys (NM_019105.8); short protein forms R1113C.
Identifiers: ClinVar variation 1215370 (VCV001215370.6), dbSNP rs367775946, ClinGen allele CA136898283.